The following is an entry in ClinVar:

ClinVar aggregate classification (germline): Likely benign (1 of 4 stars; one submission).

gnomAD v4.1: 21 of 1,571,092 alleles (0.0013%); highest among the groups gnomAD compares: Middle Eastern, 0.033%; no homozygotes.

Submission:

CeGaT Center for Human Genetics Tuebingen
Classification: Likely benign. Last evaluated: 2024-10-01. Review status: criteria provided, single submitter. Criteria: CeGaT Center For Human Genetics Tuebingen Variant Classification Criteria Version 2. Collection method: clinical testing. Allele origin: germline. Affected: yes. Observed: 1 variant allele.
Comment: TRIO: BP4, BP7

NM_007118.4(TRIO):c.5214C>T (p.Ser1738=)

Gene: TRIO (trio Rho guanine nucleotide exchange factor; plus strand). Cytogenetic location: 5p15.2.
Variant type: single nucleotide variant.
Coding change: c.5214C>T on transcript NM_007118.4 (MANE Select); coding-DNA position 5214, C replaced by T.
Protein change: p.Ser1738=; no amino-acid change (serine 1738 retained).
Molecular consequence: synonymous variant. On other transcripts: non-coding transcript variant (1).
Genome position (GRCh38, 1-based): chr5:14,461,029, C>T. VCF-style: chr5-14461029-C-T. GRCh37 (hg19) VCF-style: chr5-14461138-C-T.
Identifiers: ClinVar variation 3388591 (VCV003388591.14).